The following is an entry in ClinVar:

NM_152564.5(VPS13B):c.149A>C (p.Glu50Ala)

Gene: VPS13B (vacuolar protein sorting 13 homolog B; plus strand). Cytogenetic location: 8q22.2.
Variant type: single nucleotide variant.
Coding change: c.149A>C on transcript NM_152564.5 (MANE Select); coding-DNA position 149, A replaced by C.
Protein change: p.Glu50Ala; replaces glutamic acid 50 with alanine.
Molecular consequence: missense variant. On other transcripts: non-coding transcript variant (1).
Genome position (GRCh38, 1-based): chr8:99,038,424, A>C. VCF-style: chr8-99038424-A-C. GRCh37 (hg19) VCF-style: chr8-100050652-A-C.
Other names: c.149A>C, p.Glu50Ala (NM_015243.3, NM_017890.5, NM_181661.3); c.149A>C (NM_017890.3); short protein forms E50A.
Identifiers: ClinVar variation 934208 (VCV000934208.10), dbSNP rs1432079296, ClinGen allele CA371859589.

ClinVar aggregate classification (germline): Uncertain significance. Review status: criteria provided, multiple submitters, no conflicts (2 of 4 stars). 3 submissions from 3 submitters: Uncertain significance (2). 1 of the submissions does not count toward it. Last evaluated 2024-10-21.

Conditions:
Cohen syndrome (COH1). Also called: PEPPER SYNDROME; Cutis verticis gyrata, retinitis pigmentosa, and sensorineural deafness. Identifiers: Orphanet 193, MedGen C0265223, MONDO:0008999, OMIM 216550.
Inborn genetic diseases. Identifiers: MedGen C0950123, MeSH D030342.

Allele frequency attached by ClinVar (database versions not stated): gnomAD 0.00001; gnomAD exomes 0.00001; TOPMed 0.00002.
gnomAD v4.1: 17 of 1,603,750 alleles (0.0011%); highest among the groups gnomAD compares: Non-Finnish European, 0.0014%; no homozygotes.

Submissions (3):

Ambry Genetics
Classification: Uncertain significance for Inborn genetic diseases. Last evaluated: 2024-10-21. Review status: criteria provided, single submitter. Criteria: Ambry Variant Classification Scheme 2023. Collection method: clinical testing. Allele origin: germline.

Labcorp Genetics (formerly Invitae), Labcorp
Classification: Uncertain significance for Cohen syndrome. Last evaluated: 2022-03-10. Review status: criteria provided, single submitter. Criteria: Invitae Variant Classification Sherloc (09022015). Collection method: clinical testing. Allele origin: germline.
Comment: This sequence change replaces glutamic acid, which is acidic and polar, with alanine, which is neutral and non-polar, at codon 50 of the VPS13B protein (p.Glu50Ala). This variant is present in population databases (no rsID available, gnomAD 0.007%). This variant has not been reported in the literature in individuals affected with VPS13B-related conditions. ClinVar contains an entry for this variant (Variation ID: 934208). Algorithms developed to predict the effect of missense changes on protein structure and function are either unavailable or do not agree on the potential impact of this missense change (SIFT: "Not Available"; PolyPhen-2: "Possibly Damaging"; Align-GVGD: "Not Available"). In summary, the available evidence is currently insufficient to determine the role of this variant in disease. Therefore, it has been classified as a Variant of Uncertain Significance.

Natera, Inc.
Classification: Uncertain significance for Cohen syndrome. Last evaluated: 2020-07-23. Review status: no assertion criteria provided. Collection method: clinical testing. Allele origin: germline. Not counted in ClinVar's aggregate classification.